The following is an entry in ClinVar:

NC_000008.10:g.(?_99130067)_(99146888_99148709)dup

Gene: POP1 (POP1 homolog, ribonuclease P/MRP subunit; plus strand). Cytogenetic location: 8q22.2.
Variant type: Duplication.
Identifiers: ClinVar variation 2691391 (VCV002691391.1).

ClinVar aggregate classification (germline): Uncertain significance (1 of 4 stars; one submission).

Submission:

Women's Health and Genetics/Laboratory Corporation of America, LabCorp
Classification: Uncertain significance. Last evaluated: 2023-12-22. Review status: criteria provided, single submitter. Criteria: LabCorp Variant Classification Summary - May 2015. Collection method: clinical testing. Allele origin: germline.
Comment: Variant summary: The variant involves the duplication of exons 1-7 in the POP1 gene. A presumed nomenclature of c.(?_-29)_(1011+1_1012-1)dup has been designated for the purposes of this classification. The exact breakpoint at the 5' end of this variant is unknown, therefore this duplication may extend upstream of the annotated region of this gene. It is predicted to duplicate a segment including the initiation codon, therefore its impact on the encoded protein is unknown. The variant was absent in 21694 control chromosomes (gnomAD). The available data on variant occurrences in the general population are insufficient to allow any conclusion about variant significance. To our knowledge, no occurrence of c.(?_-29)_(1011+1_1012-1)dup in individuals affected with Anauxetic Dysplasia 2 and no experimental evidence demonstrating its impact on protein function have been reported. No submitters have cited clinical-significance assessments for this variant to ClinVar after 2014. Based on the evidence outlined above, the variant was classified as uncertain significance.